The following is an entry in ClinVar:

ClinVar aggregate classification (germline): Uncertain significance (1 of 4 stars; one submission).

Conditions:
Developmental and epileptic encephalopathy 94 (DEE94). Also called: Epileptic encephalopathy, childhood-onset; CHD2-Related Neurodevelopmental Disorders. Identifiers: Orphanet 1942, Orphanet 2382, MedGen C3809278, MONDO:0014150, OMIM 615369.

Submission:

Labcorp Genetics (formerly Invitae), Labcorp
Classification: Uncertain significance for Developmental and epileptic encephalopathy 94. Last evaluated: 2025-07-15. Review status: criteria provided, single submitter. Criteria: Invitae Variant Classification Sherloc (09022015). Collection method: clinical testing. Allele origin: germline.
Comment: This sequence change replaces lysine, which is basic and polar, with asparagine, which is neutral and polar, at codon 1393 of the CHD2 protein (p.Lys1393Asn). This variant is not present in population databases (gnomAD no frequency). This variant has not been reported in the literature in individuals affected with CHD2-related conditions. Invitae Evidence Modeling of protein sequence and biophysical properties (such as structural, functional, and spatial information, amino acid conservation, physicochemical variation, residue mobility, and thermodynamic stability) indicates that this missense variant is not expected to disrupt CHD2 protein function with a negative predictive value of 95%. In summary, the available evidence is currently insufficient to determine the role of this variant in disease. Therefore, it has been classified as a Variant of Uncertain Significance.

NM_001271.4(CHD2):c.4179G>C (p.Lys1393Asn)

Gene: CHD2 (chromodomain helicase DNA binding protein 2; plus strand). Cytogenetic location: 15q26.1.
Variant type: single nucleotide variant.
Coding change: c.4179G>C on transcript NM_001271.4 (MANE Select); coding-DNA position 4179, G replaced by C.
Protein change: p.Lys1393Asn; replaces lysine 1393 with asparagine.
Molecular consequence: missense variant.
Genome position (GRCh38, 1-based): chr15:93,002,218, G>C. VCF-style: chr15-93002218-G-C. GRCh37 (hg19) VCF-style: chr15-93545448-G-C.
Other names: short protein forms K1393N.
Identifiers: ClinVar variation 4802446 (VCV004802446.1).
Genomic context (GRCh38, chr15:93,002,218, plus strand): 5'-GCCCTGTTTTGTTTCCTAGGATGATGGCTTGGAAAAAAGTCCAATGAAAAAAAAACAGAA[G>C]AAGAAAGAGAACAAGGAGAACAAGGAGAAACAAATGAGTTCTAGGAAAGACAAAGAAGGG-3'
Protein context (NP_001262.3, residues 1383-1403): LEKSPMKKKQ[Lys1393Asn]KKENKENKEK